The following is an entry in ClinVar:

ClinVar aggregate classification (germline): Uncertain significance (1 of 4 stars; one submission).

Conditions:
Developmental and epileptic encephalopathy 94 (DEE94). Also called: CHD2-Related Neurodevelopmental Disorders; Epileptic encephalopathy, childhood-onset. Identifiers: Orphanet 1942, Orphanet 2382, MedGen C3809278, MONDO:0014150, OMIM 615369.

Submission:

Labcorp Genetics (formerly Invitae), Labcorp
Classification: Uncertain significance for Developmental and epileptic encephalopathy 94. Last evaluated: 2023-05-08. Review status: criteria provided, single submitter. Criteria: Invitae Variant Classification Sherloc (09022015). Collection method: clinical testing. Allele origin: germline.
Comment: This sequence change replaces phenylalanine, which is neutral and non-polar, with serine, which is neutral and polar, at codon 613 of the CHD2 protein (p.Phe613Ser). This variant is not present in population databases (gnomAD no frequency). This variant has not been reported in the literature in individuals affected with CHD2-related conditions. Advanced modeling of protein sequence and biophysical properties (such as structural, functional, and spatial information, amino acid conservation, physicochemical variation, residue mobility, and thermodynamic stability) performed at Invitae indicates that this missense variant is not expected to disrupt CHD2 protein function. In summary, the available evidence is currently insufficient to determine the role of this variant in disease. Therefore, it has been classified as a Variant of Uncertain Significance.

NM_001271.4(CHD2):c.1838T>C (p.Phe613Ser)

Gene: CHD2 (chromodomain helicase DNA binding protein 2; plus strand). Cytogenetic location: 15q26.1.
Variant type: single nucleotide variant.
Coding change: c.1838T>C on transcript NM_001271.4 (MANE Select); coding-DNA position 1838, T replaced by C.
Protein change: p.Phe613Ser; replaces phenylalanine 613 with serine.
Molecular consequence: missense variant.
Genome position (GRCh38, 1-based): chr15:92,956,487, T>C. VCF-style: chr15-92956487-T-C. GRCh37 (hg19) VCF-style: chr15-93499717-T-C.
Other names: short protein forms F613S.
Identifiers: ClinVar variation 2858820 (VCV002858820.3), dbSNP rs2505488328, ClinGen allele CA393906099.